The following is an entry in ClinVar:

ClinVar aggregate classification (germline): Uncertain significance. Review status: criteria provided, multiple submitters, no conflicts (2 of 4 stars). 2 submissions from 2 submitters: Uncertain significance (2). Last evaluated 2024-10-17.

Conditions:
Inborn genetic diseases. Identifiers: MedGen C0950123, MeSH D030342.

Allele frequency attached by ClinVar (database versions not stated): gnomAD exomes below 0.00001; TOPMed below 0.00001.
gnomAD v4.1: 4 of 1,614,072 alleles (0.00025%); highest among the groups gnomAD compares: East Asian, 0.0067%; no homozygotes.

Submissions (2):

Ambry Genetics
Classification: Uncertain significance for Inborn genetic diseases. Last evaluated: 2024-10-17. Review status: criteria provided, single submitter. Criteria: Ambry Variant Classification Scheme 2023. Collection method: clinical testing. Allele origin: germline.

Labcorp Genetics (formerly Invitae), Labcorp
Classification: Uncertain significance. Last evaluated: 2022-07-19. Review status: criteria provided, single submitter. Criteria: Invitae Variant Classification Sherloc (09022015). Collection method: clinical testing. Allele origin: germline.
Comment: In summary, the available evidence is currently insufficient to determine the role of this variant in disease. Therefore, it has been classified as a Variant of Uncertain Significance. Algorithms developed to predict the effect of missense changes on protein structure and function output the following: SIFT: "Tolerated"; PolyPhen-2: "Benign"; Align-GVGD: "Class C0". The lysine amino acid residue is found in multiple mammalian species, which suggests that this missense change does not adversely affect protein function. ClinVar contains an entry for this variant (Variation ID: 1064076). This variant has not been reported in the literature in individuals affected with IMPG2-related conditions. This variant is not present in population databases (gnomAD no frequency). This sequence change replaces glutamic acid, which is acidic and polar, with lysine, which is basic and polar, at codon 256 of the IMPG2 protein (p.Glu256Lys).

NM_016247.4(IMPG2):c.766G>A (p.Glu256Lys)

Gene: IMPG2 (interphotoreceptor matrix proteoglycan 2; minus strand). Cytogenetic location: 3q12.3.
Variant type: single nucleotide variant.
Coding change: c.766G>A on transcript NM_016247.4 (MANE Select); coding-DNA position 766, G replaced by A.
Protein change: p.Glu256Lys; replaces glutamic acid 256 with lysine.
Molecular consequence: missense variant.
Genome position (GRCh38, 1-based): chr3:101,273,643, C>T on the plus strand (G>A on the coding strand, the complement: IMPG2 is on the minus strand). VCF-style: chr3-101273643-C-T. GRCh37 (hg19) VCF-style: chr3-100992487-C-T.
Other names: c.766G>A (NM_016247.3); short protein forms E256K.
Identifiers: ClinVar variation 1064076 (VCV001064076.10), dbSNP rs1706810816, ClinGen allele CA353867895.